The following is an entry in ClinVar:

NM_018139.3(DNAAF2):c.1257G>A (p.Glu419=)

Genes: DNAAF2 (dynein axonemal assembly factor 2; minus strand), LOC130055542 (ATAC-STARR-seq lymphoblastoid silent region 5699; plus strand). Cytogenetic location: 14q21.3.
Variant type: single nucleotide variant.
Coding change: c.1257G>A on transcript NM_018139.3 (MANE Select); coding-DNA position 1257, G replaced by A.
Protein change: p.Glu419=; no amino-acid change (glutamic acid 419 retained).
Molecular consequence: synonymous variant. On other transcripts: 5 prime UTR variant (1).
Genome position (GRCh38, 1-based): chr14:49,633,893, C>T on the plus strand (G>A on the coding strand, the complement: DNAAF2 is on the minus strand). VCF-style: chr14-49633893-C-T. GRCh37 (hg19) VCF-style: chr14-50100611-C-T.
Other names: c.1257G>A, p.Glu419= (NM_001083908.2); c.-615G>A (NM_001378453.1); c.1257G>A (NM_018139.2).
Identifiers: ClinVar variation 3342120 (VCV003342120.16).

ClinVar aggregate classification (germline): Likely benign. Review status: criteria provided, single submitter (1 of 4 stars). 2 submissions from 2 submitters: Likely benign (1). 1 of the submissions does not count toward it. Last evaluated 2024-08-01.

Conditions:
DNAAF2-related disorder. Also called: DNAAF2-related condition.

gnomAD v4.1: 2 of 1,534,848 alleles (0.00013%); highest among the groups gnomAD compares: Non-Finnish European, 0.00017%; no homozygotes.

Submissions (2):

CeGaT Center for Human Genetics Tuebingen
Classification: Likely benign. Last evaluated: 2024-08-01. Review status: criteria provided, single submitter. Criteria: CeGaT Center For Human Genetics Tuebingen Variant Classification Criteria Version 2. Collection method: clinical testing. Allele origin: germline. Affected: yes. Observed: 1 variant allele.
Comment: DNAAF2: BP4, BP7

PreventionGenetics, part of Exact Sciences
Classification: Likely benign for DNAAF2-related condition. Last evaluated: 2019-09-20. Review status: no assertion criteria provided. Collection method: clinical testing. Allele origin: germline. Not counted in ClinVar's aggregate classification.
Comment: This variant is classified as likely benign based on ACMG/AMP sequence variant interpretation guidelines (Richards et al. 2015 PMID: 25741868, with internal and published modifications).